The following is an entry in ClinVar:

NM_014795.4(ZEB2):c.917-2A>C

Gene: ZEB2 (zinc finger E-box binding homeobox 2; minus strand). Cytogenetic location: 2q22.3.
Variant type: single nucleotide variant.
Coding change: c.917-2A>C on transcript NM_014795.4 (MANE Select); the canonical splice acceptor site of the intron before coding-DNA position 917, A replaced by C.
Molecular consequence: splice acceptor variant.
Genome position (GRCh38, 1-based): chr2:144,400,272, T>G on the plus strand (A>C on the coding strand, the complement: ZEB2 is on the minus strand). VCF-style: chr2-144400272-T-G. GRCh37 (hg19) VCF-style: chr2-145157839-T-G.
Other names: c.845-2A>C (NM_001171653.2).
Identifiers: ClinVar variation 3253133 (VCV003253133.1), dbSNP rs2549107218.
Genomic context (GRCh38, chr2:144,400,272, plus strand): 5'-GTAGGAACCAGAATGGGAGAAACGTTTCTTGCAGTTTGGGCACTCGTAAGGTTTTTCACC[T>G]AAAATGATAATTAAAATTACCGTTACATTTCCTTGATTAGATAACAATTGCAATTGTCTA-3'

ClinVar aggregate classification (germline): Pathogenic (1 of 4 stars; one submission).

Submission:

GeneDx
Classification: Pathogenic. Last evaluated: 2023-12-10. Review status: criteria provided, single submitter. Criteria: GeneDx Variant Classification Process June 2021. Collection method: clinical testing. Allele origin: germline. Affected: yes.
Comment: Reported in a patient with Mowat-Wilson syndrome (PMID: 25899569); Canonical splice site variant predicted to result in a null allele in a gene for which loss of function is a known mechanism of disease; Not observed at significant frequency in large population cohorts (gnomAD); This variant is associated with the following publications: (PMID: 25899569)